The following is an entry in ClinVar:

NM_004408.4(DNM1):c.2586C>T (p.Phe862=)

Gene: DNM1 (dynamin 1; plus strand). Cytogenetic location: 9q34.11.
Variant type: single nucleotide variant.
Coding change: c.2586C>T on transcript NM_004408.4 (MANE Select); coding-DNA position 2586, C replaced by T.
Protein change: p.Phe862=; no amino-acid change (phenylalanine 862 retained).
Molecular consequence: synonymous variant. On other transcripts: 3 prime UTR variant (4).
Genome position (GRCh38, 1-based): chr9:128,254,705, C>T. VCF-style: chr9-128254705-C-T. GRCh37 (hg19) VCF-style: chr9-131016984-C-T.
Other names: c.*67C>T (NM_001005336.3, NM_001288737.2); c.*712C>T (NM_001288738.2); c.2586C>T, p.Phe862= (NM_001288739.2); c.*627C>T (NM_001374269.1).
Identifiers: ClinVar variation 1588959 (VCV001588959.37), dbSNP rs560349998, ClinGen allele CA5258502.

ClinVar aggregate classification (germline): Likely benign. Review status: criteria provided, multiple submitters, no conflicts (2 of 4 stars). 3 submissions from 3 submitters: Likely benign (3). Last evaluated 2026-06-30.

Conditions:
Developmental and epileptic encephalopathy, 31A. Also called: Epileptic encephalopathy, early infantile, 31; Developmental and epileptic encephalopathy, 31. Identifiers: Orphanet 2382, MedGen C4225357, MONDO:0014598, OMIM 616346.

Allele frequency attached by ClinVar (database versions not stated): gnomAD exomes 0.00001 and 0.00003; ExAC 0.00002; gnomAD 0.00002 and 0.00003; TOPMed 0.00002.
gnomAD v4.1: 45 of 1,596,310 alleles (0.0028%); highest among the groups gnomAD compares: Non-Finnish European, 0.0034%; no homozygotes.

Submissions (3):

Women's Health and Genetics/Laboratory Corporation of America, LabCorp
Classification: Likely benign. Last evaluated: 2026-06-30. Review status: criteria provided, single submitter. Criteria: LabCorp Variant Classification Summary - May 2015. Collection method: clinical testing. Allele origin: germline.

Labcorp Genetics (formerly Invitae), Labcorp
Classification: Likely benign for Developmental and epileptic encephalopathy, 31A. Last evaluated: 2025-06-30. Review status: criteria provided, single submitter. Criteria: Invitae Variant Classification Sherloc (09022015). Collection method: clinical testing. Allele origin: germline.

CeGaT Center for Human Genetics Tuebingen
Classification: Likely benign. Last evaluated: 2023-03-01. Review status: criteria provided, single submitter. Criteria: CeGaT Center For Human Genetics Tuebingen Variant Classification Criteria Version 2. Collection method: clinical testing. Allele origin: germline. Affected: yes. Observed: 1 variant allele.
Comment: DNM1: BP4